The following is an entry in ClinVar:

ClinVar aggregate classification (germline): Uncertain significance. Review status: criteria provided, multiple submitters, no conflicts (2 of 4 stars). 2 submissions from 2 submitters: Uncertain significance (2). Last evaluated 2025-08-04.

Conditions:
RASopathy. Also called: rasopathies; Noonan spectrum disorder. Identifiers: Orphanet 536391, MedGen C5555857, MONDO:0021060.
Cardiovascular phenotype. Identifiers: MedGen CN230736.

Allele frequency attached by ClinVar (database versions not stated): gnomAD 0.00001; 1000 Genomes Project 30x 0.00031.
gnomAD v4.1: 1 of 1,565,526 alleles (0.000064%); highest among the groups gnomAD compares: East Asian, 0.0024%; no homozygotes.

Submissions (2):

Ambry Genetics
Classification: Uncertain significance for Cardiovascular phenotype. Last evaluated: 2025-08-04. Review status: criteria provided, single submitter. Criteria: Ambry Variant Classification Scheme 2023. Collection method: clinical testing. Allele origin: germline.

Labcorp Genetics (formerly Invitae), Labcorp
Classification: Uncertain significance for RASopathy. Last evaluated: 2025-04-30. Review status: criteria provided, single submitter. Criteria: Invitae Variant Classification Sherloc (09022015). Collection method: clinical testing. Allele origin: germline.
Comment: This sequence change replaces aspartic acid, which is acidic and polar, with glutamic acid, which is acidic and polar, at codon 16 of the MAP2K1 protein (p.Asp16Glu). This variant is not present in population databases (gnomAD no frequency). This variant has not been reported in the literature in individuals affected with MAP2K1-related conditions. ClinVar contains an entry for this variant (Variation ID: 1005276). Invitae Evidence Modeling of protein sequence and biophysical properties (such as structural, functional, and spatial information, amino acid conservation, physicochemical variation, residue mobility, and thermodynamic stability) indicates that this missense variant is not expected to disrupt MAP2K1 protein function with a negative predictive value of 95%. In summary, the available evidence is currently insufficient to determine the role of this variant in disease. Therefore, it has been classified as a Variant of Uncertain Significance.

NM_002755.4(MAP2K1):c.48C>A (p.Asp16Glu)

Gene: MAP2K1 (mitogen-activated protein kinase kinase 1; plus strand). Cytogenetic location: 15q22.31.
Variant type: single nucleotide variant.
Coding change: c.48C>A on transcript NM_002755.4 (MANE Select); coding-DNA position 48, C replaced by A.
Protein change: p.Asp16Glu; replaces aspartic acid 16 with glutamic acid.
Molecular consequence: missense variant.
Genome position (GRCh38, 1-based): chr15:66,387,395, C>A. VCF-style: chr15-66387395-C-A. GRCh37 (hg19) VCF-style: chr15-66679733-C-A.
Other names: c.48C>A (NM_002755.3); short protein forms D16E.
Identifiers: ClinVar variation 1005276 (VCV001005276.10), dbSNP rs1330053912, ClinGen allele CA392931620.